The following is an entry in ClinVar:

ClinVar aggregate classification (germline): Uncertain significance (1 of 4 stars; one submission).

gnomAD v4.1: 1 of 1,614,072 alleles (0.000062%); highest among the groups gnomAD compares: Non-Finnish European, 0.000085%; no homozygotes.

Submission:

GeneDx
Classification: Uncertain significance. Last evaluated: 2026-04-24. Review status: criteria provided, single submitter. Criteria: GeneDx Variant Classification Process June 2021. Collection method: clinical testing. Allele origin: germline.
Comment: Not observed at significant frequency in large population cohorts (gnomAD); In silico analysis supports that this missense variant has a deleterious effect on protein structure/function; Has not been previously published as pathogenic or benign to our knowledge

NM_012309.5(SHANK2):c.4240C>T (p.Pro1414Ser)

Gene: SHANK2 (SH3 and multiple ankyrin repeat domains 2; minus strand). Cytogenetic location: 11q13.3.
Variant type: single nucleotide variant.
Coding change: c.4240C>T on transcript NM_012309.5 (MANE Select); coding-DNA position 4240, C replaced by T.
Protein change: p.Pro1414Ser; replaces proline 1414 with serine.
Molecular consequence: missense variant.
Genome position (GRCh38, 1-based): chr11:70,486,053, G>A on the plus strand (C>T on the coding strand, the complement: SHANK2 is on the minus strand). VCF-style: chr11-70486053-G-A. GRCh37 (hg19) VCF-style: chr11-70332158-G-A.
Other names: c.3103C>T, p.Pro1035Ser (NM_001379226.1); c.4360C>T, p.Pro1454Ser (NM_001441024.1); c.4189C>T, p.Pro1397Ser (NM_001441025.1, NM_001441026.1, NM_001441027.1 and 8 more transcripts); c.3073C>T, p.Pro1025Ser (NM_001441040.1); c.3025C>T, p.Pro1009Ser (NM_001441041.1); c.2467C>T, p.Pro823Ser (NM_001441042.1); c.2455C>T, p.Pro819Ser (NM_001441043.1); c.2446C>T, p.Pro816Ser (NM_001441044.1); and 6 more; short protein forms P1009S, P1025S, P1035S, P1373S, P1388S, P1397S, P1414S, P1454S.
Identifiers: ClinVar variation 5036929 (VCV005036929.1).